The following is an entry in ClinVar:

ClinVar aggregate classification (germline): Likely pathogenic. Review status: criteria provided, multiple submitters, no conflicts (2 of 4 stars). 2 submissions from 2 submitters: Likely pathogenic (2). Last evaluated 2023-07-28.

Conditions:
Intellectual disability, autosomal recessive 53 (NEDHSCA). Also called: NEURODEVELOPMENTAL DISORDER WITH OR WITHOUT HYPOTONIA, SEIZURES, AND CEREBELLAR ATROPHY; GLYCOSYLPHOSPHATIDYLINOSITOL BIOSYNTHESIS DEFECT 13; Mental retardation, autosomal recessive 53. Identifiers: Orphanet 488635, MedGen C4310794, MONDO:0014832, OMIM 616917.

Submissions (2):

Pittsburgh Clinical Genomics Laboratory, University of Pittsburgh Medical Center
Classification: Likely pathogenic for Intellectual disability, autosomal recessive 53. Last evaluated: 2023-07-28. Review status: criteria provided, single submitter. Criteria: ACMG Guidelines, 2015. Collection method: clinical testing. Allele origin: germline. Inheritance: Autosomal recessive inheritance. Affected: yes.
Comment: This sequence variant is a deletion of 4 nucleotides in exon 13 of 13 of the PIGG gene which results in an early termition codon 58 amino acids downstream of the frameshift at codon 927. As it occurs in the fil exon, the variant transcript is not predicted to be targeted by nonsense-mediated decay; however, the fil 57 amino acids of the protein are altered. This is a previously reported variant (ClinVar 2140007) that has not been observed in the literature in individuals affected by PIGG-related disease, to our knowledge. This variant is present in 1 of 251448 alleles (0.0004%) in the gnomAD population dataset. Truncating PIGG variants downstream of this one are considered to be pathogenic (PMID: 34113002, ClinVar). Based upon the evidence, we consider this variant to be likely pathogenic. ACMG Criteria: PM2, PVS1

Labcorp Genetics (formerly Invitae), Labcorp
Classification: Likely pathogenic for Intellectual disability, autosomal recessive 53. Last evaluated: 2022-06-19. Review status: criteria provided, single submitter. Criteria: Invitae Variant Classification Sherloc (09022015). Collection method: clinical testing. Allele origin: germline.
Comment: In summary, the currently available evidence indicates that the variant is pathogenic, but additional data are needed to prove that conclusively. Therefore, this variant has been classified as Likely Pathogenic. Algorithms developed to predict the effect of sequence changes on RNA splicing suggest that this variant may create or strengthen a splice site. This variant disrupts the C-terminus of the PIGG protein. Other variant(s) that disrupt this region (p.Tyr934*, p.Tyr957*) have been observed in individuals with PIGG-related conditions (PMID: 34113002). This suggests that this may be a clinically significant region of the protein. This sequence change results in a frameshift in the PIGG gene (p.Cys927Tyrfs*58). While this is not anticipated to result in nonsense mediated decay, it is expected to disrupt the last 57 amino acid(s) of the PIGG protein. This variant is present in population databases (no rsID available, gnomAD 0.003%). This variant has not been reported in the literature in individuals affected with PIGG-related conditions.

Literature cited by the submitters: PubMed 34113002 (cited by Pittsburgh Clinical Genomics Laboratory, University of Pittsburgh Medical Center and Labcorp Genetics (formerly Invitae), Labcorp).

NM_001127178.3(PIGG):c.2778_2782del (p.Cys927fs)

Gene: PIGG (phosphatidylinositol glycan anchor biosynthesis class G (EMM blood group); plus strand). Cytogenetic location: 4p16.3.
Variant type: Deletion.
Coding change: c.2778_2782del on transcript NM_001127178.3 (MANE Select); coding-DNA positions 2778 to 2782, 5 bases deleted (TTGTT; older notation c.2778_2782delTTGTT).
Protein change: p.Cys927fs; shifts the reading frame from cysteine 927.
Molecular consequence: frameshift variant. On other transcripts: non-coding transcript variant (10).
Genome position (GRCh38, 1-based): chr4:539,195-539,199, TTGTT deleted; deleting any 5 consecutive bases within chr4:539,194-539,199 gives the same sequence; the c. name uses the placement nearest the transcript's 3' end. VCF-style (leftmost placement, unchanged base first): chr4-539193-ATTTGT-A. GRCh37 (hg19) VCF-style: chr4-532982-ATTTGT-A.
Other names: c.2511_2515del, p.Cys838fs (NM_001289051.2, NM_001345986.2); c.2379_2383del, p.Cys794fs (NM_001289052.2); c.2487_2491del, p.Cys830fs (NM_001345987.2); c.1749_1753del, p.Cys584fs (NM_001345988.2); c.1245_1249del, p.Cys416fs (NM_001345990.2, NM_001345991.2); c.1680_1684del, p.Cys561fs (NM_001345994.2); c.2754_2758del, p.Cys919fs (NM_017733.5); short protein forms C584fs, C561fs, C794fs, C838fs, C919fs, C927fs, C416fs, C830fs.
Identifiers: ClinVar variation 2140007 (VCV002140007.5), dbSNP rs1560394912, ClinGen allele CA549116697.